The following is an entry in ClinVar:

ClinVar aggregate classification (germline): Conflicting classifications of pathogenicity. Review status: criteria provided, conflicting classifications (1 of 4 stars). 3 submissions from 3 submitters: Uncertain significance (2); Benign (1). Last evaluated 2025-12-02.

Conditions:
Brain small vessel disease 2A, autosomal dominant. Also called: Porencephaly 2. Identifiers: Orphanet 2940, Orphanet 99810, MedGen C3280970, MONDO:0013773, OMIM 614483.
Hemorrhage, intracerebral, susceptibility to (ICH). Also called: Stroke, hemorrhagic, susceptibility to. Identifiers: MedGen C3281105, MONDO:0100533, OMIM 614519.

Allele frequency attached by ClinVar (database versions not stated): gnomAD 0.00001; gnomAD exomes 0.00003 and 0.00006; TOPMed 0.00003; ExAC 0.00007; ESP Exome Variant Server 0.00025.
gnomAD v4.1: 90 of 1,561,858 alleles (0.0058%); highest among the groups gnomAD compares: Non-Finnish European, 0.0074%; no homozygotes.

Submissions (3):

Labcorp Genetics (formerly Invitae), Labcorp
Classification: Uncertain significance. Last evaluated: 2025-12-02. Review status: criteria provided, single submitter. Criteria: Invitae Variant Classification Sherloc (09022015). Collection method: clinical testing. Allele origin: germline.
Comment: This sequence change replaces aspartic acid, which is acidic and polar, with asparagine, which is neutral and polar, at codon 1375 of the COL4A2 protein (p.Asp1375Asn). The frequency data for this variant in the population databases is considered unreliable, as metrics indicate poor data quality at this position in the gnomAD database. This missense change has been observed in individual(s) with neurodevelopmental conditions (PMID: 39039281). ClinVar contains an entry for this variant (Variation ID: 882855). Invitae Evidence Modeling of protein sequence and biophysical properties (such as structural, functional, and spatial information, amino acid conservation, physicochemical variation, residue mobility, and thermodynamic stability) indicates that this missense variant is not expected to disrupt COL4A2 protein function with a negative predictive value of 95%. In summary, the available evidence is currently insufficient to determine the role of this variant in disease. Therefore, it has been classified as a Variant of Uncertain Significance.

Institute of Human Genetics, Clinical Exome/Genome Diagnostics Group, University Hospital Bonn
Classification: Uncertain significance for Brain small vessel disease 2A, autosomal dominant; Hemorrhage, intracerebral, susceptibility to. Last evaluated: 2020-06-12. Review status: criteria provided, single submitter. Criteria: ACMG Guidelines, 2015. Collection method: clinical testing. Allele origin: germline.

Illumina Laboratory Services, Illumina
Classification: Benign for Brain small vessel disease 2A, autosomal dominant. Last evaluated: 2018-01-13. Review status: criteria provided, single submitter. Criteria: ICSL Variant Classification Criteria 13 December 2019. Collection method: clinical testing. Allele origin: germline.
Comment: This variant was observed in the ICSL laboratory as part of a predisposition screen in an ostensibly healthy population. It had not been previously curated by ICSL or reported in the Human Gene Mutation Database (HGMD: prior to June 1st, 2018), and was therefore a candidate for classification through an automated scoring system. Utilizing variant allele frequency, disease prevalence and penetrance estimates, and inheritance mode, an automated score was calculated to assess if this variant is too frequent to cause the disease. Based on the score and internal cut-off values, a variant classified as benign is not then subjected to further curation. The score for this variant resulted in a classification of benign for this disease.

Literature cited by the submitters: PubMed 39039281 (cited by Labcorp Genetics (formerly Invitae), Labcorp).

NM_001846.4(COL4A2):c.4123G>A (p.Asp1375Asn)

Genes: COL4A2 (collagen type IV alpha 2 chain; plus strand), COL4A2-AS1 (COL4A2 antisense RNA 1; minus strand). Cytogenetic location: 13q34.
Variant type: single nucleotide variant.
Coding change: c.4123G>A on transcript NM_001846.4 (MANE Select); coding-DNA position 4123, G replaced by A.
Protein change: p.Asp1375Asn; replaces aspartic acid 1375 with asparagine.
Molecular consequence: missense variant.
Genome position (GRCh38, 1-based): chr13:110,503,466, G>A. VCF-style: chr13-110503466-G-A. GRCh37 (hg19) VCF-style: chr13-111155813-G-A.
Other names: short protein forms D1375N.
Identifiers: ClinVar variation 882855 (VCV000882855.9), dbSNP rs368612819, ClinGen allele CA7050412.